The following is an entry in ClinVar:

ClinVar aggregate classification (germline): Pathogenic (1 of 4 stars; one submission).

Conditions:
KBG syndrome (KBGS). Also called: ANKRD11-Related KBG Syndrome. Identifiers: Orphanet 2332, MedGen C0220687, MONDO:0007846, OMIM 148050.

Submission:

GeneDx
Classification: Pathogenic. Last evaluated: 2018-09-18. Review status: criteria provided, single submitter. Criteria: GeneDx Variant Classification (06012015). Collection method: clinical testing. Allele origin: germline. Affected: yes.
Comment: The c.2536delT pathogenic variant in the ANKRD11 gene causes a frameshift starting with codon Serine 846, changes this amino acid to a Proline residue and creates a premature Stop codon at position 17 of the new reading frame, denoted p.Ser846ProfsX17. This pathogenic variant is predicted to cause loss of normal protein function either through protein truncation or nonsense-mediated mRNA decay. The c.2536delT variant is not observed in large population cohorts (Lek et al., 2016).

NM_013275.6(ANKRD11):c.2536del (p.Ser846fs)

Gene: ANKRD11 (ankyrin repeat domain 11; minus strand). Cytogenetic location: 16q24.3.
Variant type: Deletion.
Coding change: c.2536del on transcript NM_013275.6 (MANE Select); coding-DNA position 2536, one base deleted (T; older notation c.2536delT).
Protein change: p.Ser846fs; shifts the reading frame from serine 846.
Molecular consequence: frameshift variant.
Genome position (GRCh38, 1-based): chr16:89,284,006, A deleted on the plus strand (T on the coding strand, the reverse complement: ANKRD11 is on the minus strand). VCF-style (leftmost placement, unchanged base first): chr16-89284005-GA-G. GRCh37 (hg19) VCF-style: chr16-89350413-GA-G.
Other names: c.2536del, p.Ser846fs (NM_001256182.2, NM_001256183.2); short protein forms S846fs.
Identifiers: ClinVar variation 817227 (VCV000817227.3), dbSNP rs1597460246, ClinGen allele CA915949400.